The following is an entry in ClinVar:

NM_020964.3(EPG5):c.3512A>G (p.His1171Arg)

Gene: EPG5 (ectopic P-granules 5 autophagy tethering factor; minus strand). Cytogenetic location: 18q21.1.
Variant type: single nucleotide variant.
Coding change: c.3512A>G on transcript NM_020964.3 (MANE Select); coding-DNA position 3512, A replaced by G.
Protein change: p.His1171Arg; replaces histidine 1171 with arginine.
Molecular consequence: missense variant.
Genome position (GRCh38, 1-based): chr18:45,916,079, T>C on the plus strand (A>G on the coding strand, the complement: EPG5 is on the minus strand). VCF-style: chr18-45916079-T-C. GRCh37 (hg19) VCF-style: chr18-43496044-T-C.
Other names: short protein forms H1171R.
Identifiers: ClinVar variation 1500245 (VCV001500245.4), dbSNP rs1400525515, ClinGen allele CA402342274.

ClinVar aggregate classification (germline): Uncertain significance (1 of 4 stars; one submission).

Conditions:
Vici syndrome (VICIS). Identifiers: Orphanet 1493, MedGen C1855772, MONDO:0009452, OMIM 242840.

Submission:

Labcorp Genetics (formerly Invitae), Labcorp
Classification: Uncertain significance for Vici syndrome. Last evaluated: 2022-07-05. Review status: criteria provided, single submitter. Criteria: Invitae Variant Classification Sherloc (09022015). Collection method: clinical testing. Allele origin: germline.
Comment: This sequence change replaces histidine, which is basic and polar, with arginine, which is basic and polar, at codon 1171 of the EPG5 protein (p.His1171Arg). This variant is not present in population databases (gnomAD no frequency). This variant has not been reported in the literature in individuals affected with EPG5-related conditions. ClinVar contains an entry for this variant (Variation ID: 1500245). Algorithms developed to predict the effect of missense changes on protein structure and function (SIFT, PolyPhen-2, Align-GVGD) all suggest that this variant is likely to be tolerated. In summary, the available evidence is currently insufficient to determine the role of this variant in disease. Therefore, it has been classified as a Variant of Uncertain Significance.